The following is an entry in ClinVar:

NM_144687.4(NLRP12):c.1983G>C (p.Gln661His)

Gene: NLRP12 (NLR family pyrin domain containing 12; minus strand). Cytogenetic location: 19q13.42.
Variant type: single nucleotide variant.
Coding change: c.1983G>C on transcript NM_144687.4 (MANE Select); coding-DNA position 1983, G replaced by C.
Protein change: p.Gln661His; replaces glutamine 661 with histidine.
Molecular consequence: missense variant.
Genome position (GRCh38, 1-based): chr19:53,809,676, C>G on the plus strand (G>C on the coding strand, the complement: NLRP12 is on the minus strand). VCF-style: chr19-53809676-C-G. GRCh37 (hg19) VCF-style: chr19-54312930-C-G.
Other names: c.1983G>C, p.Gln661His (NM_001277126.2, NM_001277129.1); short protein forms Q661H.
Identifiers: ClinVar variation 1483226 (VCV001483226.8), dbSNP rs2092026599, ClinGen allele CA407411734.

ClinVar aggregate classification (germline): Uncertain significance (1 of 4 stars; one submission).

Conditions:
Familial cold autoinflammatory syndrome 2 (FCAS2). Identifiers: Orphanet 247868, MedGen C2673198, MONDO:0012724, OMIM 611762.

Allele frequency attached by ClinVar (database versions not stated): gnomAD exomes 0.00002.
gnomAD v4.1: 11 of 1,614,088 alleles (0.00068%); highest among the groups gnomAD compares: East Asian, 0.025%; no homozygotes.

Submission:

Labcorp Genetics (formerly Invitae), Labcorp
Classification: Uncertain significance for Familial cold autoinflammatory syndrome 2. Last evaluated: 2023-07-21. Review status: criteria provided, single submitter. Criteria: Invitae Variant Classification Sherloc (09022015). Collection method: clinical testing. Allele origin: germline.
Comment: This sequence change replaces glutamine, which is neutral and polar, with histidine, which is basic and polar, at codon 661 of the NLRP12 protein (p.Gln661His). This variant is not present in population databases (gnomAD no frequency). This variant has not been reported in the literature in individuals affected with NLRP12-related conditions. ClinVar contains an entry for this variant (Variation ID: 1483226). Advanced modeling of protein sequence and biophysical properties (such as structural, functional, and spatial information, amino acid conservation, physicochemical variation, residue mobility, and thermodynamic stability) performed at Invitae indicates that this missense variant is not expected to disrupt NLRP12 protein function. In summary, the available evidence is currently insufficient to determine the role of this variant in disease. Therefore, it has been classified as a Variant of Uncertain Significance.